The following is an entry in ClinVar:

NM_199355.4(ADAMTS18):c.1898G>A (p.Arg633His)

Gene: ADAMTS18 (ADAM metallopeptidase with thrombospondin type 1 motif 18; minus strand). Cytogenetic location: 16q23.1.
Variant type: single nucleotide variant.
Coding change: c.1898G>A on transcript NM_199355.4 (MANE Select); coding-DNA position 1898, G replaced by A.
Protein change: p.Arg633His; replaces arginine 633 with histidine.
Molecular consequence: missense variant.
Genome position (GRCh38, 1-based): chr16:77,326,000, C>T on the plus strand (G>A on the coding strand, the complement: ADAMTS18 is on the minus strand). VCF-style: chr16-77326000-C-T. GRCh37 (hg19) VCF-style: chr16-77359897-C-T.
Other names: c.1382G>A, p.Arg461His (NM_001326358.2); short protein forms R461H, R633H.
Identifiers: ClinVar variation 1944721 (VCV001944721.6), dbSNP rs200297898, ClinGen allele CA284395703.
Genomic context (GRCh38, chr16:77,326,000, plus strand): 5'-TGAGCCCGAAAATCCAAGCTATTTTCATTGCAAGGGTTAATATTGCACAGCTGATAAATA[C>T]GGCTAGAACCTGGACAGAATAAGCCACCATACTGAGGCCTGAAAATGAAATTAATGAACT-3'
Protein context (NP_955387.1, residues 623-643): YGGLFCPGSS[Arg633His]IYQLCNINPC

ClinVar aggregate classification (germline): Uncertain significance. Review status: criteria provided, multiple submitters, no conflicts (2 of 4 stars). 2 submissions from 2 submitters: Uncertain significance (2). Last evaluated 2024-11-18.

Allele frequency attached by ClinVar (database versions not stated): gnomAD 0.00001; 1000 Genomes Project 30x 0.00016; 1000 Genomes Project 0.00020.
gnomAD v4.1: 12 of 1,614,008 alleles (0.00074%); highest among the groups gnomAD compares: South Asian, 0.0022%; no homozygotes.

Submissions (2):

Labcorp Genetics (formerly Invitae), Labcorp
Classification: Uncertain significance. Last evaluated: 2024-11-18. Review status: criteria provided, single submitter. Criteria: Invitae Variant Classification Sherloc (09022015). Collection method: clinical testing. Allele origin: germline.
Comment: This sequence change replaces arginine, which is basic and polar, with histidine, which is basic and polar, at codon 633 of the ADAMTS18 protein (p.Arg633His). This variant is not present in population databases (gnomAD no frequency). This variant has not been reported in the literature in individuals affected with ADAMTS18-related conditions. ClinVar contains an entry for this variant (Variation ID: 1944721). An algorithm developed to predict the effect of missense changes on protein structure and function (PolyPhen-2) suggests that this variant is likely to be disruptive. In summary, the available evidence is currently insufficient to determine the role of this variant in disease. Therefore, it has been classified as a Variant of Uncertain Significance.

Blueprint Genetics
Classification: Uncertain significance. Last evaluated: 2022-11-17. Review status: criteria provided, single submitter. Criteria: ACMG Guidelines, 2015. Collection method: clinical testing. Allele origin: germline.